The following is an entry in ClinVar:

NM_031889.3(ENAM):c.1726T>C (p.Phe576Leu)

Gene: ENAM (enamelin; plus strand). Cytogenetic location: 4q13.3.
Variant type: single nucleotide variant.
Coding change: c.1726T>C on transcript NM_031889.3 (MANE Select); coding-DNA position 1726, T replaced by C.
Protein change: p.Phe576Leu; replaces phenylalanine 576 with leucine.
Molecular consequence: missense variant.
Genome position (GRCh38, 1-based): chr4:70,643,152, T>C. VCF-style: chr4-70643152-T-C. GRCh37 (hg19) VCF-style: chr4-71508869-T-C.
Other names: c.1072T>C, p.Phe358Leu (NM_001368133.1); short protein forms F576L, F358L.
Identifiers: ClinVar variation 349499 (VCV000349499.8), dbSNP rs2609428, ClinGen allele CA2952161.

ClinVar aggregate classification (germline): Benign. Review status: criteria provided, multiple submitters, no conflicts (2 of 4 stars). 3 submissions from 3 submitters: Benign (3). Last evaluated 2021-06-09.

Conditions:
Amelogenesis imperfecta (AI). Also called: Congenital enamel hypoplasia. Identifiers: Orphanet 88661, MedGen C0002452, MONDO:0019507, HP:0000705.

Allele frequency attached by ClinVar (database versions not stated): gnomAD exomes 0.00563 and 0.01256; ExAC 0.01385; gnomAD 0.03901 and 0.04187; 1000 Genomes Project 0.03934; ESP Exome Variant Server 0.04283; 1000 Genomes Project 30x 0.04294; TOPMed 0.04478.

Submissions (3):

GeneDx
Classification: Benign. Last evaluated: 2021-06-09. Review status: criteria provided, single submitter. Criteria: GeneDx Variant Classification Process June 2021. Collection method: clinical testing. Allele origin: germline. Affected: yes.

Illumina Laboratory Services, Illumina
Classification: Benign for Amelogenesis imperfecta. Last evaluated: 2018-01-12. Review status: criteria provided, single submitter. Criteria: ICSL Variant Classification Criteria 13 December 2019. Collection method: clinical testing. Allele origin: germline.
Comment: This variant was observed in the ICSL laboratory as part of a predisposition screen in an ostensibly healthy population. It had not been previously curated by ICSL or reported in the Human Gene Mutation Database (HGMD: prior to June 1st, 2018), and was therefore a candidate for classification through an automated scoring system. Utilizing variant allele frequency, disease prevalence and penetrance estimates, and inheritance mode, an automated score was calculated to assess if this variant is too frequent to cause the disease. Based on the score and internal cut-off values, a variant classified as benign is not then subjected to further curation. The score for this variant resulted in a classification of benign for this disease.

Breakthrough Genomics
Classification: Benign. Review status: criteria provided, single submitter. Criteria: ACMG Guidelines, 2015. Collection method: not provided. Allele origin: germline. Inheritance: Autosomal recessive inheritance. Affected: yes.